The following is an entry in ClinVar:

NM_012243.3(SLC35A3):c.347C>T (p.Thr116Met)

Gene: SLC35A3 (solute carrier family 35 member A3; plus strand). Cytogenetic location: 1p21.2.
Variant type: single nucleotide variant.
Coding change: c.347C>T on transcript NM_012243.3 (MANE Select); coding-DNA position 347, C replaced by T.
Protein change: p.Thr116Met; replaces threonine 116 with methionine.
Molecular consequence: missense variant.
Genome position (GRCh38, 1-based): chr1:100,007,038, C>T. VCF-style: chr1-100007038-C-T. GRCh37 (hg19) VCF-style: chr1-100472594-C-T.
Other names: c.347C>T, p.Thr116Met (NM_001271684.2); c.473C>T, p.Thr158Met (NM_001271685.2); short protein forms T116M, T158M.
Identifiers: ClinVar variation 655475 (VCV000655475.4), dbSNP rs774263178, ClinGen allele CA967577.

ClinVar aggregate classification (germline): Uncertain significance. Review status: criteria provided, single submitter (1 of 4 stars). 2 submissions from 2 submitters: Uncertain significance (1). 1 of the submissions does not count toward it. Last evaluated 2021-09-01.

Conditions:
Arthrogryposis multiplex congenita (AMC). Also called: Congenital multiple arthrogryposis; Fibrous ankylosis of multiple joints; Congenital arthromyodysplasia; Myodystrophia fetalis deformans; Otto syndrome; Rocher-Sheldon syndrome. Identifiers: Orphanet 1037, MedGen C5779613, MeSH D001176, MONDO:0015168, HP:0002804.
Autism spectrum disorder - epilepsy - arthrogryposis syndrome (AMRS). Identifiers: Orphanet 370943, MedGen C3809910, MONDO:0014248, OMIM 615553.

Allele frequency attached by ClinVar (database versions not stated): gnomAD exomes 0.00001; ExAC 0.00002; gnomAD 0.00002 and 0.00003; TOPMed 0.00003.
gnomAD v4.1: 13 of 1,604,480 alleles (0.00081%); highest among the groups gnomAD compares: Admixed American, 0.0017%; no homozygotes.

Submissions (2):

Labcorp Genetics (formerly Invitae), Labcorp
Classification: Uncertain significance for Autism spectrum disorder - epilepsy - arthrogryposis syndrome. Last evaluated: 2021-09-01. Review status: criteria provided, single submitter. Criteria: Invitae Variant Classification Sherloc (09022015). Collection method: clinical testing. Allele origin: germline.
Comment: This sequence change replaces threonine with methionine at codon 116 of the SLC35A3 protein (p.Thr116Met). The threonine residue is highly conserved and there is a moderate physicochemical difference between threonine and methionine. This variant is present in population databases (rs774263178, ExAC 0.01%). This variant has not been reported in the literature in individuals affected with SLC35A3-related conditions. Algorithms developed to predict the effect of missense changes on protein structure and function are either unavailable or do not agree on the potential impact of this missense change (SIFT: "Tolerated"; PolyPhen-2: "Possibly Damaging"; Align-GVGD: "Class C0"). In summary, the available evidence is currently insufficient to determine the role of this variant in disease. Therefore, it has been classified as a Variant of Uncertain Significance.

Natera, Inc.
Classification: Uncertain significance for Arthrogryposis. Last evaluated: 2020-03-10. Review status: no assertion criteria provided. Collection method: clinical testing. Allele origin: germline. Not counted in ClinVar's aggregate classification.